The following is an entry in ClinVar:

ClinVar aggregate classification (germline): Likely benign. Review status: reviewed by expert panel (3 of 4 stars). 5 submissions from 5 submitters: Likely benign (1). 4 of the submissions do not count toward it. Last evaluated 2017-06-29.

Conditions:
Hereditary cancer-predisposing syndrome. Also called: Tumor predisposition; Hereditary neoplastic syndrome; Neoplastic Syndromes, Hereditary; Hereditary Cancer Syndrome. Identifiers: Orphanet 140162, MedGen C0027672, MeSH D009386, MONDO:0015356.
Hereditary breast ovarian cancer syndrome. Also called: Hereditary breast and ovarian cancer syndrome; Hereditary breast and ovarian cancer; Hereditary breast and ovarian cancer syndrome (HBOC); Breast and ovarian cancer; BRCA1- and BRCA2-Associated Hereditary Breast and Ovarian Cancer; Hereditary breast and/or ovarian cancer syndrome. Identifiers: Orphanet 145, MedGen C0677776, MeSH D061325, MONDO:0003582. Disease mechanism: loss of function.
Breast-ovarian cancer, familial, susceptibility to, 2 (BROVCA2). Also called: BRCA2 Hereditary Breast and Ovarian Cancer. Identifiers: Orphanet 145, MedGen C2675520, MONDO:0012933, OMIM 612555. Disease mechanism: loss of function.

Allele frequency attached by ClinVar (database versions not stated): gnomAD exomes below 0.00001; TOPMed below 0.00001; ExAC 0.00001; gnomAD 0.00001.
gnomAD v4.1: 8 of 1,614,002 alleles (0.0005%); highest among the groups gnomAD compares: South Asian, 0.0033%; no homozygotes.

Submissions (5):

Evidence-based Network for the Interpretation of Germline Mutant Alleles (ENIGMA)
Classification: Likely benign for Breast-ovarian cancer, familial, susceptibility to, 2. Last evaluated: 2017-06-29. Review status: reviewed by expert panel. Criteria: ENIGMA BRCA1/2 Classification Criteria (2017-06-29). Collection method: curation. Allele origin: germline.
Comment: Synonymous substitution variant, with low bioinformatic likelihood to result in a splicing aberration (Splicing prior probability 0.02).

Quest Diagnostics Nichols Institute San Juan Capistrano
Classification: Benign. Last evaluated: 2025-08-22. Review status: criteria provided, single submitter. Criteria: Quest Diagnostics criteria. Collection method: clinical testing. Allele origin: unknown. Not counted in ClinVar's aggregate classification.

Labcorp Genetics (formerly Invitae), Labcorp
Classification: Likely benign for Hereditary breast ovarian cancer syndrome. Last evaluated: 2025-02-24. Review status: criteria provided, single submitter. Criteria: Invitae Variant Classification Sherloc (09022015). Collection method: clinical testing. Allele origin: germline. Not counted in ClinVar's aggregate classification.

Ambry Genetics
Classification: Likely benign for Hereditary cancer-predisposing syndrome. Last evaluated: 2023-10-20. Review status: criteria provided, single submitter. Criteria: Ambry Variant Classification Scheme 2023. Collection method: clinical testing. Allele origin: germline. Not counted in ClinVar's aggregate classification.

Color Diagnostics, LLC DBA Color Health
Classification: Likely benign for Hereditary cancer-predisposing syndrome. Last evaluated: 2018-11-05. Review status: criteria provided, single submitter. Criteria: ACMG Guidelines, 2015. Collection method: clinical testing. Allele origin: germline. Not counted in ClinVar's aggregate classification.

Literature cited by the submitters: PubMed 39779857 (cited by Quest Diagnostics Nichols Institute San Juan Capistrano); PubMed 39779848 (cited by Quest Diagnostics Nichols Institute San Juan Capistrano).

NM_000059.4(BRCA2):c.9390A>G (p.Glu3130=)

Gene: BRCA2 (BRCA2 DNA repair associated; plus strand). Cytogenetic location: 13q13.1.
Variant type: single nucleotide variant.
Coding change: c.9390A>G on transcript NM_000059.4 (MANE Select); coding-DNA position 9390, A replaced by G.
Protein change: p.Glu3130=; no amino-acid change (glutamic acid 3130 retained).
Molecular consequence: synonymous variant.
Genome position (GRCh38, 1-based): chr13:32,394,822, A>G. VCF-style: chr13-32394822-A-G. GRCh37 (hg19) VCF-style: chr13-32968959-A-G.
Identifiers: ClinVar variation 135820 (VCV000135820.17), dbSNP rs587780665, ClinGen allele CA026133.